The following is an entry in ClinVar:

ClinVar aggregate classification (germline): Uncertain significance (1 of 4 stars; one submission).

Submission:

Labcorp Genetics (formerly Invitae), Labcorp
Classification: Uncertain significance. Last evaluated: 2022-10-03. Review status: criteria provided, single submitter. Criteria: Invitae Variant Classification Sherloc (09022015). Collection method: clinical testing. Allele origin: germline.
Comment: This variant is not present in population databases (gnomAD no frequency). In summary, the available evidence is currently insufficient to determine the role of this variant in disease. Therefore, it has been classified as a Variant of Uncertain Significance. Advanced modeling of protein sequence and biophysical properties (such as structural, functional, and spatial information, amino acid conservation, physicochemical variation, residue mobility, and thermodynamic stability) performed at Invitae indicates that this missense variant is expected to disrupt POLE protein function. This variant has not been reported in the literature in individuals affected with POLE-related conditions. This sequence change replaces leucine, which is neutral and non-polar, with proline, which is neutral and non-polar, at codon 547 of the POLE protein (p.Leu547Pro).

NM_006231.4(POLE):c.1640T>C (p.Leu547Pro)

Gene: POLE (DNA polymerase epsilon, catalytic subunit; minus strand). Cytogenetic location: 12q24.33.
Variant type: single nucleotide variant.
Coding change: c.1640T>C on transcript NM_006231.4 (MANE Select); coding-DNA position 1640, T replaced by C.
Protein change: p.Leu547Pro; replaces leucine 547 with proline.
Molecular consequence: missense variant.
Genome position (GRCh38, 1-based): chr12:132,672,673, A>G on the plus strand (T>C on the coding strand, the complement: POLE is on the minus strand). VCF-style: chr12-132672673-A-G. GRCh37 (hg19) VCF-style: chr12-133249259-A-G.
Other names: short protein forms L547P.
Identifiers: ClinVar variation 1720857 (VCV001720857.5), dbSNP rs2135993090, ClinGen allele CA387356631.
Genomic context (GRCh38, chr12:132,672,673, plus strand): 5'-GGGAAGAAGCACACCATCCTAAACCGGCAAGGGATATCGCTGCGGAAAACCCCAGACTCG[A>G]GGGCCTCCACGTGGCCCCCGACGTAGGTCTCAGAGTCCAGCACGTGTCCGTCGTCCGTCA-3'
Protein context (NP_006222.2, residues 537-557): ETYVGGHVEA[Leu547Pro]ESGVFRSDIP